The following is an entry in ClinVar:

NM_006269.2(RP1):c.3119T>C (p.Ile1040Thr)

Gene: RP1 (RP1 axonemal microtubule associated; plus strand). Cytogenetic location: 8q12.1.
Variant type: single nucleotide variant.
Coding change: c.3119T>C on transcript NM_006269.2 (MANE Select); coding-DNA position 3119, T replaced by C.
Protein change: p.Ile1040Thr; replaces isoleucine 1040 with threonine.
Molecular consequence: missense variant. On other transcripts: intron variant (1).
Genome position (GRCh38, 1-based): chr8:54,627,001, T>C. VCF-style: chr8-54627001-T-C. GRCh37 (hg19) VCF-style: chr8-55539561-T-C.
Other names: c.787+4713T>C (NM_001375654.1); short protein forms I1040T.
Identifiers: ClinVar variation 1498528 (VCV001498528.7), dbSNP rs1251985216, ClinGen allele CA370995511.

ClinVar aggregate classification (germline): Uncertain significance. Review status: criteria provided, multiple submitters, no conflicts (2 of 4 stars). 2 submissions from 2 submitters: Uncertain significance (2). Last evaluated 2024-01-02.

Allele frequency attached by ClinVar (database versions not stated): gnomAD exomes below 0.00001.
gnomAD v4.1: 7 of 1,614,028 alleles (0.00043%); highest among the groups gnomAD compares: Middle Eastern, 0.016%; no homozygotes.

Submissions (2):

Labcorp Genetics (formerly Invitae), Labcorp
Classification: Uncertain significance. Last evaluated: 2024-01-02. Review status: criteria provided, single submitter. Criteria: Invitae Variant Classification Sherloc (09022015). Collection method: clinical testing. Allele origin: germline.
Comment: This sequence change replaces isoleucine, which is neutral and non-polar, with threonine, which is neutral and polar, at codon 1040 of the RP1 protein (p.Ile1040Thr). This variant is present in population databases (no rsID available, gnomAD 0.0009%). This variant has not been reported in the literature in individuals affected with RP1-related conditions. ClinVar contains an entry for this variant (Variation ID: 1498528). An algorithm developed to predict the effect of missense changes on protein structure and function (PolyPhen-2) suggests that this variant is likely to be tolerated. In summary, the available evidence is currently insufficient to determine the role of this variant in disease. Therefore, it has been classified as a Variant of Uncertain Significance.

Blueprint Genetics
Classification: Uncertain significance. Last evaluated: 2022-02-11. Review status: criteria provided, single submitter. Criteria: ACMG Guidelines, 2015. Collection method: clinical testing. Allele origin: germline.